The following is an entry in ClinVar:

NM_007055.4(POLR3A):c.1737T>G (p.Ile579Met)

Gene: POLR3A (RNA polymerase III subunit A; minus strand). Cytogenetic location: 10q22.3.
Variant type: single nucleotide variant.
Coding change: c.1737T>G on transcript NM_007055.4 (MANE Select); coding-DNA position 1737, T replaced by G.
Protein change: p.Ile579Met; replaces isoleucine 579 with methionine.
Molecular consequence: missense variant.
Genome position (GRCh38, 1-based): chr10:78,009,897, A>C on the plus strand (T>G on the coding strand, the complement: POLR3A is on the minus strand). VCF-style: chr10-78009897-A-C. GRCh37 (hg19) VCF-style: chr10-79769655-A-C.
Other names: short protein forms I579M.
Identifiers: ClinVar variation 1484863 (VCV001484863.7), dbSNP rs890963581, ClinGen allele CA377340963.

ClinVar aggregate classification (germline): Uncertain significance (1 of 4 stars; one submission).

Allele frequency attached by ClinVar (database versions not stated): gnomAD 0.00001.

Submission:

Labcorp Genetics (formerly Invitae), Labcorp
Classification: Uncertain significance. Last evaluated: 2024-11-05. Review status: criteria provided, single submitter. Criteria: Invitae Variant Classification Sherloc (09022015). Collection method: clinical testing. Allele origin: germline.
Comment: This sequence change replaces isoleucine, which is neutral and non-polar, with methionine, which is neutral and non-polar, at codon 579 of the POLR3A protein (p.Ile579Met). This variant is not present in population databases (gnomAD no frequency). This variant has not been reported in the literature in individuals affected with POLR3A-related conditions. ClinVar contains an entry for this variant (Variation ID: 1484863). Invitae Evidence Modeling of protein sequence and biophysical properties (such as structural, functional, and spatial information, amino acid conservation, physicochemical variation, residue mobility, and thermodynamic stability) indicates that this missense variant is not expected to disrupt POLR3A protein function with a negative predictive value of 80%. In summary, the available evidence is currently insufficient to determine the role of this variant in disease. Therefore, it has been classified as a Variant of Uncertain Significance.